The following is an entry in ClinVar:

ClinVar aggregate classification (germline): Conflicting classifications of pathogenicity. Review status: criteria provided, conflicting classifications (1 of 4 stars). 2 submissions from 2 submitters: Uncertain significance (1); Likely benign (1). Last evaluated 2025-05-15.

Conditions:
Hereditary cancer-predisposing syndrome. Also called: Tumor predisposition; Hereditary Cancer Syndrome; Neoplastic Syndromes, Hereditary; Hereditary neoplastic syndrome. Identifiers: Orphanet 140162, MedGen C0027672, MeSH D009386, MONDO:0015356.

Submissions (2):

Ambry Genetics
Classification: Likely benign for Hereditary cancer-predisposing syndrome. Last evaluated: 2025-05-15. Review status: criteria provided, single submitter. Criteria: Ambry Variant Classification Scheme 2023. Collection method: clinical testing. Allele origin: germline.

Color Diagnostics, LLC DBA Color Health
Classification: Uncertain significance for Hereditary cancer-predisposing syndrome. Last evaluated: 2023-12-04. Review status: criteria provided, single submitter. Criteria: ACMG Guidelines, 2015. Collection method: clinical testing. Allele origin: germline.
Comment: This missense variant replaces glycine with arginine at codon 2816 of the BRCA2 protein. Computational prediction is inconclusive regarding the impact of this variant on protein structure and function (internally defined REVEL score threshold 0.5 < inconclusive < 0.7, PMID: 27666373). To our knowledge, functional studies have not been reported for this variant. This variant has not been reported in individuals affected with BRCA2-related disorders in the literature. This variant has not been identified in the general population by the Genome Aggregation Database (gnomAD). The available evidence is insufficient to determine the role of this variant in disease conclusively. Therefore, this variant is classified as a Variant of Uncertain Significance.

NM_000059.4(BRCA2):c.8446G>C (p.Gly2816Arg)

Gene: BRCA2 (BRCA2 DNA repair associated; plus strand). Cytogenetic location: 13q13.1.
Variant type: single nucleotide variant.
Coding change: c.8446G>C on transcript NM_000059.4 (MANE Select); coding-DNA position 8446, G replaced by C.
Protein change: p.Gly2816Arg; replaces glycine 2816 with arginine.
Molecular consequence: missense variant.
Genome position (GRCh38, 1-based): chr13:32,370,516, G>C. VCF-style: chr13-32370516-G-C. GRCh37 (hg19) VCF-style: chr13-32944653-G-C.
Other names: short protein forms G2816R.
Identifiers: ClinVar variation 822425 (VCV000822425.9), dbSNP rs1555287651, ClinGen allele CA387752574.
Genomic context (GRCh38, chr13:32,370,516, plus strand): 5'-CCTGACCCTAGACCTTTTCCTCTGCCCTTATCATCGCTTTTCAGTGATGGAGGAAATGTT[G>C]GTTGTGTTGATGTAATTATTCAAAGAGCATACCCTATACAGGTATGATGTATTCTTGAAA-3'
Protein context (NP_000050.3, residues 2806-2826): SSLFSDGGNV[Gly2816Arg]CVDVIIQRAY